The following is an entry in ClinVar:

NM_006206.6(PDGFRA):c.1470C>T (p.Phe490=)

Gene: PDGFRA (platelet derived growth factor receptor alpha; plus strand). Cytogenetic location: 4q12.
Variant type: single nucleotide variant.
Coding change: c.1470C>T on transcript NM_006206.6 (MANE Select); coding-DNA position 1470, C replaced by T.
Protein change: p.Phe490=; no amino-acid change (phenylalanine 490 retained).
Molecular consequence: synonymous variant.
Genome position (GRCh38, 1-based): chr4:54,273,642, C>T. VCF-style: chr4-54273642-C-T. GRCh37 (hg19) VCF-style: chr4-55139809-C-T.
Other names: c.1470C>T, p.Phe490= (NM_001347827.2, NM_001347829.2); c.1545C>T, p.Phe515= (NM_001347828.2); c.1509C>T, p.Phe503= (NM_001347830.2).
Identifiers: ClinVar variation 414483 (VCV000414483.19), dbSNP rs766458562, ClinGen allele CA2922578.

ClinVar aggregate classification (germline): Benign/Likely benign. Review status: criteria provided, multiple submitters, no conflicts (2 of 4 stars). 5 submissions from 5 submitters: Benign (1); Likely benign (4). Last evaluated 2026-06-17.

Conditions:
Polyps, multiple and recurrent inflammatory fibroid, gastrointestinal. Identifiers: MedGen C5193005, MONDO:0008285, OMIM 175510.
Hereditary cancer-predisposing syndrome. Also called: Tumor predisposition; Hereditary neoplastic syndrome; Hereditary Cancer Syndrome; Neoplastic Syndromes, Hereditary. Identifiers: Orphanet 140162, MedGen C0027672, MeSH D009386, MONDO:0015356.
Gastrointestinal stromal tumor. Also called: Gastrointestinal stromal tumor, somatic; Gastrointestinal stroma tumor. Identifiers: Orphanet 44890, MedGen C0238198, MeSH D046152, MONDO:0011719, OMIM 606764, HP:0100723.

Allele frequency attached by ClinVar (database versions not stated): gnomAD 0.00001 and 0.00002; ExAC 0.00002; gnomAD exomes 0.00002 and 0.00003; TOPMed 0.00002.
gnomAD v4.1: 41 of 1,613,944 alleles (0.0025%); highest among the groups gnomAD compares: East Asian, 0.0089%; no homozygotes.

Submissions (5):

Myriad Genetics, Inc.
Classification: Benign for Polyps, multiple and recurrent inflammatory fibroid, gastrointestinal. Last evaluated: 2026-06-17. Review status: criteria provided, single submitter. Criteria: Myriad Autosomal Dominant, Autosomal Recessive and X-Linked Classification Criteria (2023). Collection method: clinical testing. Allele origin: unknown.
Comment: This variant is considered benign. This variant is a silent/synonymous amino acid change and it is not expected to impact splicing.

CeGaT Center for Human Genetics Tuebingen
Classification: Likely benign. Last evaluated: 2026-04-01. Review status: criteria provided, single submitter. Criteria: CeGaT Center For Human Genetics Tuebingen Variant Classification Criteria Version 2. Collection method: clinical testing. Allele origin: germline. Affected: yes. Observed: 1 variant allele.
Comment: PDGFRA: BP4, BP7

Labcorp Genetics (formerly Invitae), Labcorp
Classification: Likely benign for Gastrointestinal stromal tumor. Last evaluated: 2025-12-26. Review status: criteria provided, single submitter. Criteria: Invitae Variant Classification Sherloc (09022015). Collection method: clinical testing. Allele origin: germline.

Blueprint Genetics
Classification: Likely benign. Last evaluated: 2022-09-23. Review status: criteria provided, single submitter. Criteria: ACMG Guidelines, 2015. Collection method: clinical testing. Allele origin: germline.

Ambry Genetics
Classification: Likely benign for Hereditary cancer-predisposing syndrome. Last evaluated: 2019-01-22. Review status: criteria provided, single submitter. Criteria: Ambry Variant Classification Scheme 2023. Collection method: clinical testing. Allele origin: germline.